The following is an entry in ClinVar:

ClinVar aggregate classification (germline): Likely benign (1 of 4 stars; one submission).

Conditions:
AHI1-related disorder. Also called: AHI1-related condition.

gnomAD v4.1: 1 of 1,612,840 alleles (0.000062%); highest among the groups gnomAD compares: East Asian, 0.0022%; no homozygotes.

Submission:

PreventionGenetics, part of Exact Sciences
Classification: Likely benign for AHI1-related condition. Last evaluated: 2026-07-08. Review status: criteria provided, single submitter. Criteria: ACMG Guidelines, 2015. Collection method: clinical testing. Allele origin: germline.
Comment: This variant is classified as likely benign based on ACMG/AMP sequence variant interpretation guidelines (Richards et al. 2015 PMID: 25741868, with internal and published modifications).

NM_001134831.2(AHI1):c.3159A>G (p.Ala1053=)

Gene: AHI1 (Abelson helper integration site 1; minus strand). Cytogenetic location: 6q23.3.
Variant type: single nucleotide variant.
Coding change: c.3159A>G on transcript NM_001134831.2 (MANE Select); coding-DNA position 3159, A replaced by G.
Protein change: p.Ala1053=; no amino-acid change (alanine 1053 retained).
Molecular consequence: synonymous variant.
Genome position (GRCh38, 1-based): chr6:135,358,138, T>C on the plus strand (A>G on the coding strand, the complement: AHI1 is on the minus strand). VCF-style: chr6-135358138-T-C. GRCh37 (hg19) VCF-style: chr6-135679276-T-C.
Other names: c.3159A>G, p.Ala1053= (NM_001134830.2, NM_001350503.2, NM_001350504.2 and 1 more transcripts).
Identifiers: ClinVar variation 5001130 (VCV005001130.1).
Genomic context (GRCh38, chr6:135,358,138, plus strand): 5'-TATAATTTTGTACTTTCTTAACACTTTTAACAACGTAGCAACAGACTGTCTTACCGTTGG[T>C]GCTGTATCTACCTGATGGTTACAAGGCTTTCTTTCTATGCTGATAATCCCTGTGGAAAGA-3'
Protein context (NP_001128303.1, residues 1043-1063): RKPCNHQVDT[Ala1053=]PTVVALYDYT